The following is an entry in ClinVar:

NM_001267550.2(TTN):c.101130G>T (p.Trp33710Cys)

Genes: TTN-AS1 (TTN antisense RNA 1; plus strand), TTN (titin; minus strand). Cytogenetic location: 2q31.2.
Variant type: single nucleotide variant.
Coding change: c.101130G>T on transcript NM_001267550.2 (MANE Select); coding-DNA position 101130, G replaced by T.
Protein change: p.Trp33710Cys; replaces tryptophan 33710 with cysteine.
Molecular consequence: missense variant.
Genome position (GRCh38, 1-based): chr2:178,535,485, C>A on the plus strand (G>T on the coding strand, the complement: TTN is on the minus strand). VCF-style: chr2-178535485-C-A. GRCh37 (hg19) VCF-style: chr2-179400212-C-A.
Other names: c.96207G>T, p.Trp32069Cys (NM_001256850.1); c.73935G>T, p.Trp24645Cys (NM_003319.4); c.93426G>T, p.Trp31142Cys (NM_133378.4); c.74310G>T, p.Trp24770Cys (NM_133432.3); c.74511G>T, p.Trp24837Cys (NM_133437.4); short protein forms W31142C, W24645C, W24770C, W24837C, W32069C, W33710C.
Identifiers: ClinVar variation 2948245 (VCV002948245.3), dbSNP rs2468576630, ClinGen allele CA349421605.

ClinVar aggregate classification (germline): Uncertain significance (1 of 4 stars; one submission).

Conditions:
Dilated cardiomyopathy 1G (CMD1G). Identifiers: Orphanet 154, MedGen C1858763, MONDO:0011400, OMIM 604145.
Autosomal recessive limb-girdle muscular dystrophy type 2J (LGMDR10). Also called: Limb-girdle muscular dystrophy, type 2J; MUSCULAR DYSTROPHY, LIMB-GIRDLE, AUTOSOMAL RECESSIVE 10. Identifiers: Orphanet 140922, MedGen C1837342, MONDO:0012127, OMIM 608807.

Submission:

Labcorp Genetics (formerly Invitae), Labcorp
Classification: Uncertain significance for Dilated cardiomyopathy 1G; Autosomal recessive limb-girdle muscular dystrophy type 2J. Last evaluated: 2025-03-17. Review status: criteria provided, single submitter. Criteria: Invitae Variant Classification Sherloc (09022015). Collection method: clinical testing. Allele origin: germline.
Comment: This sequence change replaces tryptophan, which is neutral and slightly polar, with cysteine, which is neutral and slightly polar, at codon 33710 of the TTN protein (p.Trp33710Cys). This variant is not present in population databases (gnomAD no frequency). This variant has not been reported in the literature in individuals affected with TTN-related conditions. ClinVar contains an entry for this variant (Variation ID: 2948245). Experimental studies and prediction algorithms are not available or were not evaluated, and the functional significance of this variant is currently unknown. This variant is located in the M band of TTN (PMID: 25589632). Non-truncating variants in this region may be relevant for neuromuscular disorders, but have not been definitively shown to cause cardiomyopathy (PMID: 23975875). In summary, the available evidence is currently insufficient to determine the role of this variant in disease. Therefore, it has been classified as a Variant of Uncertain Significance.

Literature cited by the submitters: PubMed 25589632; PubMed 23975875.